The following is an entry in ClinVar:

Conditions:
Breast-ovarian cancer, familial, susceptibility to, 1 (BROVCA1). Also called: BRCA1 Hereditary Breast and Ovarian Cancer; OVARIAN CANCER, SUSCEPTIBILITY TO. Identifiers: Orphanet 145, MedGen C2676676, MONDO:0011450, OMIM 604370. Disease mechanism: loss of function.

Submission:

Brotman Baty Institute, University of Washington
No classification provided (evidence only). Condition: Breast-ovarian cancer, familial 1. Review status: no classification provided. Collection method: in vitro. Allele origin: not applicable. Functional consequence: functionally_normal.
ClinVar note: "not provided" was previously submitted as the classification for the variant. However, the classification appeared to be based only on an observation of functional data so it was converted to no classification on 2025-07-30.

NM_007294.4(BRCA1):c.268A>T (p.Ile90Phe)

Gene: BRCA1 (BRCA1 DNA repair associated; minus strand). Cytogenetic location: 17q21.31.
Variant type: single nucleotide variant.
Coding change: c.268A>T on transcript NM_007294.4 (MANE Select); coding-DNA position 268, A replaced by T.
Protein change: p.Ile90Phe; replaces isoleucine 90 with phenylalanine.
Molecular consequence: missense variant. On other transcripts: non-coding transcript variant (1).
Genome position (GRCh38, 1-based): chr17:43,104,901, T>A on the plus strand (A>T on the coding strand, the complement: BRCA1 is on the minus strand). VCF-style: chr17-43104901-T-A. GRCh37 (hg19) VCF-style: chr17-41256918-T-A.
Other names: c.58A>T, p.Ile20Phe (NM_001408492.1, NM_001408493.1, NM_001408502.1 and 58 more transcripts); c.268A>T, p.Ile90Phe (NM_001408494.1, NM_001408495.1, NM_007298.4 and 168 more transcripts); c.127A>T, p.Ile43Phe (NM_001408496.1, NM_001408497.1, NM_001408498.1 and 99 more transcripts); c.-114A>T (NM_001408510.1, NM_001408512.1, NM_001407959.1 and 4 more transcripts); c.190A>T, p.Ile64Phe (NM_001407653.1, NM_001407654.1, NM_001407655.1 and 21 more transcripts); c.136A>T, p.Ile46Phe (NM_001408451.1); short protein forms I43F, I90F, I46F, I64F, I20F.
Identifiers: ClinVar variation 865352 (VCV000865352.3), dbSNP rs1555596673, ClinGen allele CA10601618.